The following is an entry in ClinVar:

NM_014797.3(ZBTB24):c.1762C>A (p.Gln588Lys)

Gene: ZBTB24 (zinc finger and BTB domain containing 24; minus strand). Cytogenetic location: 6q21.
Variant type: single nucleotide variant.
Coding change: c.1762C>A on transcript NM_014797.3 (MANE Select); coding-DNA position 1762, C replaced by A.
Protein change: p.Gln588Lys; replaces glutamine 588 with lysine.
Molecular consequence: missense variant.
Genome position (GRCh38, 1-based): chr6:109,466,183, G>T on the plus strand (C>A on the coding strand, the complement: ZBTB24 is on the minus strand). VCF-style: chr6-109466183-G-T. GRCh37 (hg19) VCF-style: chr6-109787386-G-T.
Other names: short protein forms Q588K.
Identifiers: ClinVar variation 1961954 (VCV001961954.3), dbSNP rs1253654285, ClinGen allele CA365195452.

ClinVar aggregate classification (germline): Uncertain significance (1 of 4 stars; one submission).

Conditions:
Immunodeficiency-centromeric instability-facial anomalies syndrome 2 (ICF2). Identifiers: Orphanet 2268, MedGen C3279748, MONDO:0013553, OMIM 614069.

Allele frequency attached by ClinVar (database versions not stated): gnomAD 0.00003; TOPMed 0.00001; gnomAD exomes 0.00002.
gnomAD v4.1: 39 of 1,614,084 alleles (0.0024%); highest among the groups gnomAD compares: Non-Finnish European, 0.0032%; no homozygotes.

Submission:

Labcorp Genetics (formerly Invitae), Labcorp
Classification: Uncertain significance for Immunodeficiency-centromeric instability-facial anomalies syndrome 2. Last evaluated: 2026-01-19. Review status: criteria provided, single submitter. Criteria: Invitae Variant Classification Sherloc (09022015). Collection method: clinical testing. Allele origin: germline.
Comment: This sequence change replaces glutamine, which is neutral and polar, with lysine, which is basic and polar, at codon 588 of the ZBTB24 protein (p.Gln588Lys). This variant is not present in population databases (gnomAD no frequency). This variant has not been reported in the literature in individuals affected with ZBTB24-related conditions. ClinVar contains an entry for this variant (Variation ID: 1961954). An algorithm developed to predict the effect of missense changes on protein structure and function (PolyPhen-2) suggests that this variant is likely to be tolerated. In summary, the available evidence is currently insufficient to determine the role of this variant in disease. Therefore, it has been classified as a Variant of Uncertain Significance.